The following is an entry in ClinVar:

NM_001987.5(ETV6):c.1344AGA[1] (p.Glu449del)

Gene: ETV6 (ETS variant transcription factor 6; plus strand). Cytogenetic location: 12p13.2.
Variant type: Microsatellite.
Coding change: c.1344AGA[1] on transcript NM_001987.5 (MANE Select); one copy of the 3-base unit AGA starting at c.1344; the reference has two copies in a row; one copy, 3 bases deleted.
Protein change: p.Glu449del; deletes glutamic acid 449.
Molecular consequence: 3 prime UTR variant (on NM_001413917.1). On other transcripts: inframe indel (2).
Genome position (GRCh38, 1-based): chr12:11,891,034-11,891,036, AGA deleted; deleting any 3 consecutive bases within chr12:11,891,030-11,891,036 gives the same sequence; the position shown is the placement nearest the transcript's 3' end. VCF-style (leftmost placement, unchanged base first): chr12-11891029-CAAG-C. GRCh37 (hg19) VCF-style: chr12-12043963-CAAG-C.
Other names: c.1341AGA[1], p.Glu448del (NM_001413913.1); c.1317AGA[1], p.Glu440del (NM_001413914.1); c.1080AGA[1], p.Glu361del (NM_001413915.1); c.*83AGA[1] (NM_001413917.1); c.1344_1346AGA[1], p.Glu449del (NM_001987.4); c.1347_1349delAGA (NM_001987.4); short protein forms E449del, E361del, E440del, E448del.
Identifiers: ClinVar variation 4842510 (VCV004842510.1).
Genomic context (GRCh38, chr12:11,891,029, plus strand): 5'-AGTGGCCGAACAGACCGTCTGGAGCACCTAGAGTCCCAGGAGCTGGATGAACAAATATAC[CAAG>C]AAGATGAATGCTGAAGGAACCAACAGTCCACCTCAGCGGGCCAGCAGCCCAGGGAACCCC-3'

ClinVar aggregate classification (germline): Uncertain significance (1 of 4 stars; one submission).

Conditions:
Inborn genetic diseases. Identifiers: MedGen C0950123, MeSH D030342.

Submission:

Ambry Genetics
Classification: Uncertain significance for Inborn genetic diseases. Last evaluated: 2025-12-24. Review status: criteria provided, single submitter. Criteria: Ambry Variant Classification Scheme 2023. Collection method: clinical testing. Allele origin: germline.
Comment: The c.1347_1349delAGA variant (also known as p.E449del) is located in coding exon 8 of the ETV6 gene. This variant results from an in-frame AGA deletion at nucleotide positions 1347 to 1349. This results in the in-frame deletion of a glutamic acid at codon 449. This amino acid position is well conserved in available vertebrate species. In addition, this variant is predicted to be neutral by in silico analysis (Choi Y et al. PLoS ONE. 2012; 7(10):e46688). Based on the available evidence, the clinical significance of this variant remains unclear.